The following is an entry in ClinVar:

NM_001267550.2(TTN):c.106928T>C (p.Val35643Ala)

Genes: TTN-AS1 (TTN antisense RNA 1; plus strand), TTN (titin; minus strand). Cytogenetic location: 2q31.2.
Variant type: single nucleotide variant.
Coding change: c.106928T>C on transcript NM_001267550.2 (MANE Select); coding-DNA position 106928, T replaced by C.
Protein change: p.Val35643Ala; replaces valine 35643 with alanine.
Molecular consequence: missense variant.
Genome position (GRCh38, 1-based): chr2:178,528,823, A>G on the plus strand (T>C on the coding strand, the complement: TTN is on the minus strand). VCF-style: chr2-178528823-A-G. GRCh37 (hg19) VCF-style: chr2-179393550-A-G.
Other names: c.102005T>C, p.Val34002Ala (NM_001256850.1); c.79733T>C, p.Val26578Ala (NM_003319.4); c.99224T>C, p.Val33075Ala (NM_133378.4); c.80108T>C, p.Val26703Ala (NM_133432.3); c.80309T>C, p.Val26770Ala (NM_133437.4); short protein forms V33075A, V26770A, V34002A, V26578A, V26703A, V35643A.
Identifiers: ClinVar variation 2928311 (VCV002928311.3), dbSNP rs1339468653, ClinGen allele CA349402590.

ClinVar aggregate classification (germline): Uncertain significance (1 of 4 stars; one submission).

Conditions:
Dilated cardiomyopathy 1G (CMD1G). Identifiers: Orphanet 154, MedGen C1858763, MONDO:0011400, OMIM 604145.
Autosomal recessive limb-girdle muscular dystrophy type 2J (LGMDR10). Also called: MUSCULAR DYSTROPHY, LIMB-GIRDLE, AUTOSOMAL RECESSIVE 10; Limb-girdle muscular dystrophy, type 2J. Identifiers: Orphanet 140922, MedGen C1837342, MONDO:0012127, OMIM 608807.

Allele frequency attached by ClinVar (database versions not stated): gnomAD exomes below 0.00001; gnomAD 0.00001; TOPMed 0.00001.
gnomAD v4.1: 3 of 1,613,792 alleles (0.00019%); highest among the groups gnomAD compares: African/African-American, 0.0013%; no homozygotes.

Submission:

Labcorp Genetics (formerly Invitae), Labcorp
Classification: Uncertain significance for Dilated cardiomyopathy 1G; Autosomal recessive limb-girdle muscular dystrophy type 2J. Last evaluated: 2024-01-14. Review status: criteria provided, single submitter. Criteria: Invitae Variant Classification Sherloc (09022015). Collection method: clinical testing. Allele origin: germline.
Comment: This sequence change replaces valine, which is neutral and non-polar, with alanine, which is neutral and non-polar, at codon 35643 of the TTN protein (p.Val35643Ala). This variant is present in population databases (no rsID available, gnomAD 0.004%). This variant has not been reported in the literature in individuals affected with TTN-related conditions. Experimental studies and prediction algorithms are not available or were not evaluated, and the functional significance of this variant is currently unknown. This variant is located in the M band of TTN (PMID: 25589632). Non-truncating variants in this region may be relevant for neuromuscular disorders, but have not been definitively shown to cause cardiomyopathy (PMID: 23975875). In summary, the available evidence is currently insufficient to determine the role of this variant in disease. Therefore, it has been classified as a Variant of Uncertain Significance.

Literature cited by the submitters: PubMed 25589632; PubMed 23975875.